The following is an entry in ClinVar:

ClinVar aggregate classification (germline): Uncertain significance (1 of 4 stars; one submission).

Conditions:
Familial cold autoinflammatory syndrome 2 (FCAS2). Identifiers: Orphanet 247868, MedGen C2673198, MONDO:0012724, OMIM 611762.

Allele frequency attached by ClinVar (database versions not stated): gnomAD 0.00001.
gnomAD v4.1: 1 of 1,613,952 alleles (0.000062%); highest among the groups gnomAD compares: Admixed American, 0.0017%; no homozygotes.

Submission:

Labcorp Genetics (formerly Invitae), Labcorp
Classification: Uncertain significance for Familial cold autoinflammatory syndrome 2. Last evaluated: 2022-03-27. Review status: criteria provided, single submitter. Criteria: Invitae Variant Classification Sherloc (09022015). Collection method: clinical testing. Allele origin: germline.
Comment: In summary, the available evidence is currently insufficient to determine the role of this variant in disease. Therefore, it has been classified as a Variant of Uncertain Significance. Algorithms developed to predict the effect of missense changes on protein structure and function output the following: SIFT: "Tolerated"; PolyPhen-2: "Benign"; Align-GVGD: "Class C0". The cysteine amino acid residue is found in multiple mammalian species, which suggests that this missense change does not adversely affect protein function. This variant has not been reported in the literature in individuals affected with NLRP12-related conditions. This variant is not present in population databases (gnomAD no frequency). This sequence change replaces serine, which is neutral and polar, with cysteine, which is neutral and slightly polar, at codon 117 of the NLRP12 protein (p.Ser117Cys).

NM_144687.4(NLRP12):c.350C>G (p.Ser117Cys)

Gene: NLRP12 (NLR family pyrin domain containing 12; minus strand). Cytogenetic location: 19q13.42.
Variant type: single nucleotide variant.
Coding change: c.350C>G on transcript NM_144687.4 (MANE Select); coding-DNA position 350, C replaced by G.
Protein change: p.Ser117Cys; replaces serine 117 with cysteine.
Molecular consequence: missense variant.
Genome position (GRCh38, 1-based): chr19:53,814,928, G>C on the plus strand (C>G on the coding strand, the complement: NLRP12 is on the minus strand). VCF-style: chr19-53814928-G-C. GRCh37 (hg19) VCF-style: chr19-54318182-G-C.
Other names: c.350C>G, p.Ser117Cys (NM_001277126.2, NM_001277129.1); short protein forms S117C.
Identifiers: ClinVar variation 2041273 (VCV002041273.4), dbSNP rs2092134189, ClinGen allele CA407417632.